The following is an entry in ClinVar:

NM_000548.5(TSC2):c.3295G>C (p.Gly1099Arg)

Gene: TSC2 (TSC complex subunit 2; plus strand). Cytogenetic location: 16p13.3.
Variant type: single nucleotide variant.
Coding change: c.3295G>C on transcript NM_000548.5 (MANE Select); coding-DNA position 3295, G replaced by C.
Protein change: p.Gly1099Arg; replaces glycine 1099 with arginine.
Molecular consequence: missense variant. On other transcripts: non-coding transcript variant (5).
Genome position (GRCh38, 1-based): chr16:2,079,567, G>C. VCF-style: chr16-2079567-G-C. GRCh37 (hg19) VCF-style: chr16-2129568-G-C.
Other names: c.3163G>C, p.Gly1055Arg (NM_001077183.3, NM_001370404.1, NM_001406665.1); c.3295G>C, p.Gly1099Arg (NM_001114382.3); c.3055G>C, p.Gly1019Arg (NM_001318827.2); c.3019G>C, p.Gly1007Arg (NM_001318829.2); c.2563G>C, p.Gly855Arg (NM_001318831.2, NM_001406687.1, NM_001406688.1); c.3196G>C, p.Gly1066Arg (NM_001318832.2); c.3166G>C, p.Gly1056Arg (NM_001363528.2, NM_001370405.1, NM_021055.3); c.3292G>C, p.Gly1098Arg (NM_001406663.1, NM_001406664.1); and 18 more; short protein forms G1006R, G1007R, G1018R, G1019R, G1036R, G1049R, G1050R, G1051R.
Identifiers: ClinVar variation 3074916 (VCV003074916.2), dbSNP rs776855601, ClinGen allele CA394286473.

ClinVar aggregate classification (germline): Uncertain significance. Review status: criteria provided, multiple submitters, no conflicts (2 of 4 stars). 2 submissions from 2 submitters: Uncertain significance (2). Last evaluated 2025-04-29.

Conditions:
Tuberous sclerosis syndrome (TSC). Also called: Tuberous Sclerosis Complex; Tuberous sclerosis. Identifiers: Orphanet 805, MedGen C0041341, MONDO:0001734.
Hereditary cancer-predisposing syndrome. Also called: Hereditary neoplastic syndrome; Neoplastic Syndromes, Hereditary; Tumor predisposition; Hereditary Cancer Syndrome. Identifiers: Orphanet 140162, MedGen C0027672, MeSH D009386, MONDO:0015356.

Submissions (2):

Ambry Genetics
Classification: Uncertain significance for Hereditary cancer-predisposing syndrome. Last evaluated: 2025-04-29. Review status: criteria provided, single submitter. Criteria: Ambry Variant Classification Scheme 2023. Collection method: clinical testing. Allele origin: germline.
Comment: The p.G1099R variant (also known as c.3295G>C), located in coding exon 28 of the TSC2 gene, results from a G to C substitution at nucleotide position 3295. The glycine at codon 1099 is replaced by arginine, an amino acid with dissimilar properties. This amino acid position is poorly conserved in available vertebrate species. In addition, the in silico prediction for this alteration is inconclusive. Based on the available evidence, the clinical significance of this variant remains unclear.

All of Us Research Program, National Institutes of Health
Classification: Uncertain significance for Tuberous sclerosis syndrome. Last evaluated: 2023-12-13. Review status: criteria provided, single submitter. Criteria: ACMG Guidelines, 2015. Collection method: clinical testing. Allele origin: germline. Inheritance: Autosomal dominant inheritance. Observed: 1 variant allele, 1 heterozygote.
Comment: This missense variant replaces glycine with arginine at codon 1099 of the TSC2 protein. Computational prediction is inconclusive regarding the impact of this variant on protein structure and function (internally defined REVEL score threshold 0.5 < inconclusive < 0.7, PMID: 27666373). To our knowledge, functional studies have not been reported for this variant. This variant has not been reported in individuals affected with TSC2-related disorders in the literature. This variant has not been identified in the general population by the Genome Aggregation Database (gnomAD). The available evidence is insufficient to determine the role of this variant in disease conclusively. Therefore, this variant is classified as a Variant of Uncertain Significance.

This study involves interpretation of variants in research participants for the purpose of population health screening. Participant phenotype was not available at the time of variant classification. Additional details can be found in publication PMID: 35346344, PMCID: PMC8962531